The following is an entry in ClinVar:

NM_021100.5(NFS1):c.299A>C (p.Glu100Ala)

Gene: NFS1 (NFS1 cysteine desulfurase; minus strand). Cytogenetic location: 20q11.22.
Variant type: single nucleotide variant.
Coding change: c.299A>C on transcript NM_021100.5 (MANE Select); coding-DNA position 299, A replaced by C.
Protein change: p.Glu100Ala; replaces glutamic acid 100 with alanine.
Molecular consequence: missense variant. On other transcripts: non-coding transcript variant (1).
Genome position (GRCh38, 1-based): chr20:35,697,709, T>G on the plus strand (A>C on the coding strand, the complement: NFS1 is on the minus strand). VCF-style: chr20-35697709-T-G. GRCh37 (hg19) VCF-style: chr20-34285631-T-G.
Other names: c.299A>C (NM_021100.4); c.299A>C, p.Glu100Ala (NM_001198989.2); short protein forms E100A.
Identifiers: ClinVar variation 1923372 (VCV001923372.7), dbSNP rs746373988, ClinGen allele CA9837314.

ClinVar aggregate classification (germline): Uncertain significance. Review status: criteria provided, multiple submitters, no conflicts (2 of 4 stars). 2 submissions from 2 submitters: Uncertain significance (2). Last evaluated 2025-11-06.

Allele frequency attached by ClinVar (database versions not stated): gnomAD exomes 0.00002; gnomAD 0.00003; TOPMed 0.00003; ExAC 0.00004.
gnomAD v4.1: 39 of 1,613,304 alleles (0.0024%); highest among the groups gnomAD compares: Non-Finnish European, 0.0033%; no homozygotes.

Submissions (2):

Ambry Genetics
Classification: Uncertain significance. Last evaluated: 2025-11-06. Review status: criteria provided, single submitter. Criteria: Ambry Variant Classification Scheme 2023. Collection method: clinical testing. Allele origin: germline.

Labcorp Genetics (formerly Invitae), Labcorp
Classification: Uncertain significance. Last evaluated: 2024-10-16. Review status: criteria provided, single submitter. Criteria: Invitae Variant Classification Sherloc (09022015). Collection method: clinical testing. Allele origin: germline.
Comment: This sequence change replaces glutamic acid, which is acidic and polar, with alanine, which is neutral and non-polar, at codon 100 of the NFS1 protein (p.Glu100Ala). This variant is present in population databases (rs746373988, gnomAD 0.008%). This variant has not been reported in the literature in individuals affected with NFS1-related conditions. ClinVar contains an entry for this variant (Variation ID: 1923372). An algorithm developed to predict the effect of missense changes on protein structure and function (PolyPhen-2) suggests that this variant is likely to be tolerated. In summary, the available evidence is currently insufficient to determine the role of this variant in disease. Therefore, it has been classified as a Variant of Uncertain Significance.